The following is an entry in ClinVar:

NM_004132.5(HABP2):c.1470T>C (p.Ser490=)

Gene: HABP2 (hyaluronan binding protein 2; plus strand). Cytogenetic location: 10q25.3.
Variant type: single nucleotide variant.
Coding change: c.1470T>C on transcript NM_004132.5 (MANE Select); coding-DNA position 1470, T replaced by C.
Protein change: p.Ser490=; no amino-acid change (serine 490 retained).
Molecular consequence: synonymous variant.
Genome position (GRCh38, 1-based): chr10:113,585,890, T>C. VCF-style: chr10-113585890-T-C. GRCh37 (hg19) VCF-style: chr10-115345649-T-C.
Other names: c.1392T>C, p.Ser464= (NM_001177660.3).
Identifiers: ClinVar variation 3039140 (VCV003039140.2), dbSNP rs148362361, ClinGen allele CA5694036.

ClinVar aggregate classification (germline): Likely benign (0 of 4 stars; one submission).

Conditions:
HABP2-related disorder. Also called: HABP2-related condition.

Allele frequency attached by ClinVar (database versions not stated): gnomAD exomes 0.00005; ExAC 0.00020; gnomAD 0.00051; TOPMed 0.00066; ESP Exome Variant Server 0.00085; 1000 Genomes Project 0.00100; 1000 Genomes Project 30x 0.00125.
gnomAD v4.1: 160 of 1,613,806 alleles (0.0099%); highest among the groups gnomAD compares: African/African-American, 0.19%; 2 homozygotes.

Submission:

PreventionGenetics, part of Exact Sciences
Classification: Likely benign for HABP2-related condition. Last evaluated: 2019-05-20. Review status: no assertion criteria provided. Collection method: clinical testing. Allele origin: germline.
Comment: This variant is classified as likely benign based on ACMG/AMP sequence variant interpretation guidelines (Richards et al. 2015 PMID: 25741868, with internal and published modifications).